The following is an entry in ClinVar:

ClinVar aggregate classification (germline): Likely benign. Review status: criteria provided, multiple submitters, no conflicts (2 of 4 stars). 2 submissions from 2 submitters: Likely benign (2). Last evaluated 2025-03-26.

Conditions:
PRPF31-related disorder. Also called: PRPF31-related condition.

Allele frequency attached by ClinVar (database versions not stated): TOPMed 0.00001; gnomAD exomes 0.00002; ExAC 0.00005.
gnomAD v4.1: 9 of 1,579,656 alleles (0.00057%); highest among the groups gnomAD compares: Admixed American, 0.015%; no homozygotes.

Submissions (2):

PreventionGenetics, part of Exact Sciences
Classification: Likely benign for PRPF31-related condition. Last evaluated: 2025-03-26. Review status: criteria provided, single submitter. Criteria: ACMG Guidelines, 2015. Collection method: clinical testing. Allele origin: germline.
Comment: This variant is classified as likely benign based on ACMG/AMP sequence variant interpretation guidelines (Richards et al. 2015 PMID: 25741868, with internal and published modifications).

Labcorp Genetics (formerly Invitae), Labcorp
Classification: Likely benign. Last evaluated: 2025-02-25. Review status: criteria provided, single submitter. Criteria: Invitae Variant Classification Sherloc (09022015). Collection method: clinical testing. Allele origin: germline.

NM_015629.4(PRPF31):c.1185C>T (p.Ser395=)

Gene: PRPF31 (pre-mRNA processing factor 31; plus strand). Cytogenetic location: 19q13.42.
Variant type: single nucleotide variant.
Coding change: c.1185C>T on transcript NM_015629.4 (MANE Select); coding-DNA position 1185, C replaced by T.
Protein change: p.Ser395=; no amino-acid change (serine 395 retained).
Molecular consequence: synonymous variant.
Genome position (GRCh38, 1-based): chr19:54,129,095, C>T. VCF-style: chr19-54129095-C-T. GRCh37 (hg19) VCF-style: chr19-54632470-C-T.
Other names: c.1185C>T (NM_015629.3).
Identifiers: ClinVar variation 1967710 (VCV001967710.6), dbSNP rs768577073, ClinGen allele CA309330551.